The following is an entry in ClinVar:

NM_024640.4(YRDC):c.366C>T (p.Leu122=)

Genes: C1orf122 (chromosome 1 open reading frame 122; plus strand), YRDC (yrdC N6-threonylcarbamoyltransferase domain containing; minus strand). Cytogenetic location: 1p34.3.
Variant type: single nucleotide variant.
Coding change: c.366C>T on transcript NM_024640.4 (MANE Select); coding-DNA position 366, C replaced by T.
Protein change: p.Leu122=; no amino-acid change (leucine 122 retained).
Molecular consequence: synonymous variant. On other transcripts: 5 prime UTR variant (2).
Genome position (GRCh38, 1-based): chr1:37,807,815, G>A on the plus strand (C>T on the coding strand, the complement: YRDC is on the minus strand). VCF-style: chr1-37807815-G-A. GRCh37 (hg19) VCF-style: chr1-38273487-G-A.
Other names: c.-646G>A (NM_001142726.2); c.-590G>A (NM_198446.3).
Identifiers: ClinVar variation 3702121 (VCV003702121.3).

ClinVar aggregate classification (germline): Likely benign. Review status: criteria provided, multiple submitters, no conflicts (2 of 4 stars). 2 submissions from 2 submitters: Likely benign (2). Last evaluated 2026-09-01.

gnomAD v4.1: 5 of 1,511,654 alleles (0.00033%); highest among the groups gnomAD compares: African/African-American, 0.0028%; no homozygotes.

Submissions (2):

CeGaT Center for Human Genetics Tuebingen
Classification: Likely benign. Last evaluated: 2026-09-01. Review status: criteria provided, single submitter. Criteria: CeGaT Center For Human Genetics Tuebingen Variant Classification Criteria Version 2. Collection method: clinical testing. Allele origin: germline. Affected: yes. Observed: 1 variant allele.
Comment: YRDC: BP4, BP7

Labcorp Genetics (formerly Invitae), Labcorp
Classification: Likely benign. Last evaluated: 2024-05-20. Review status: criteria provided, single submitter. Criteria: Invitae Variant Classification Sherloc (09022015). Collection method: clinical testing. Allele origin: germline.